The following is an entry in ClinVar:

NM_000218.3(KCNQ1):c.1393+19784dup

Genes: KCNQ1 (potassium voltage-gated channel subfamily Q member 1; plus strand), KCNQ1OT1 (KCNQ1 opposite strand/antisense transcript 1; minus strand). Cytogenetic location: 11p15.5.
Variant type: Duplication.
Coding change: c.1393+19784dup on transcript NM_000218.3 (MANE Select); 19784 bases into the intron after coding-DNA position 1393, one base duplicated (A; older notation c.1393+19784dupA).
Molecular consequence: intron variant.
Genome position (GRCh38, 1-based): chr11:2,608,638, A duplicated; the last of 6 consecutive A bases (chr11:2,608,633-2,608,638); duplicating any one gives the same sequence. VCF-style (leftmost placement, unchanged base first): chr11-2608632-C-CA. GRCh37 (hg19) VCF-style: chr11-2629862-C-CA.
Other names: c.1393+19784dupA (NM_000218.2); c.1123+19784dup (NM_001406837.1); c.1297+19784dup (NM_001406836.1); c.853+19784dup (NM_001406838.1); c.1012+19784dup (NM_181798.2).
Identifiers: ClinVar variation 1879153 (VCV001879153.30), dbSNP rs569990414, ClinGen allele CA216355055.
Genomic context (GRCh38, chr11:2,608,632, plus strand): 5'-CTCAAGTGATCCTTGCCCCTTAGCCTATGACAGGTGTGCACCACAACACCAGCTGTTATT[C>CA]AAAAAATATTTTGTAGAGATAGGGTCTTGCTTTGTTGTGCATGCTATTCTTGAACTCCTG-3'

ClinVar aggregate classification (germline): Likely benign. Review status: criteria provided, single submitter (1 of 4 stars). 2 submissions from 2 submitters: Likely benign (1). 1 of the submissions does not count toward it. Last evaluated 2025-05-01.

Conditions:
KCNQ1-related disorder. Also called: KCNQ1-related disorders; KCNQ1-related condition. Identifiers: MedGen CN239322.

Submissions (2):

CeGaT Center for Human Genetics Tuebingen
Classification: Likely benign. Last evaluated: 2025-05-01. Review status: criteria provided, single submitter. Criteria: CeGaT Center For Human Genetics Tuebingen Variant Classification Criteria Version 2. Collection method: clinical testing. Allele origin: germline. Affected: yes. Observed: 2 variant alleles.
Comment: KCNQ1OT1: BS1

PreventionGenetics, part of Exact Sciences
Classification: Likely benign for KCNQ1-related condition. Last evaluated: 2021-09-03. Review status: no assertion criteria provided. Collection method: clinical testing. Allele origin: germline. Not counted in ClinVar's aggregate classification.
Comment: This variant is classified as likely benign based on ACMG/AMP sequence variant interpretation guidelines (Richards et al. 2015 PMID: 25741868, with internal and published modifications).